The following is an entry in ClinVar:

NM_201253.3(CRB1):c.3996C>A (p.Cys1332Ter)

Gene: CRB1 (crumbs cell polarity complex component 1; plus strand). Cytogenetic location: 1q31.3.
Variant type: single nucleotide variant.
Coding change: c.3996C>A on transcript NM_201253.3 (MANE Select); coding-DNA position 3996, C replaced by A.
Protein change: p.Cys1332Ter; replaces cysteine 1332 with a stop codon.
Molecular consequence: nonsense. On other transcripts: non-coding transcript variant (2).
Genome position (GRCh38, 1-based): chr1:197,442,283, C>A. VCF-style: chr1-197442283-C-A. GRCh37 (hg19) VCF-style: chr1-197411413-C-A.
Other names: c.3660C>A, p.Cys1220Ter (NM_001193640.2); c.3924C>A, p.Cys1308Ter (NM_001257965.2); c.2388C>A, p.Cys796Ter (NM_001257966.2); short protein forms C1308*, C796*, C1220*, C1332*.
Identifiers: ClinVar variation 841844 (VCV000841844.45), dbSNP rs1665487563, ClinGen allele CA344052722.

ClinVar aggregate classification (germline): Pathogenic. Review status: criteria provided, multiple submitters, no conflicts (2 of 4 stars). 6 submissions from 5 submitters: Pathogenic (6). Last evaluated 2025-04-18.

Conditions:
Retinitis pigmentosa 12 (RP12). Also called: RP WITH OR WITHOUT PPRPE; RP WITH OR WITHOUT PRESERVED PARAARTERIOLE RETINAL PIGMENT EPITHELIUM; RETINITIS PIGMENTOSA WITH OR WITHOUT PARAARTERIOLAR PRESERVATION OF RETINAL PIGMENT EPITHELIUM. Identifiers: Orphanet 791, MedGen C1838647, MONDO:0010818, OMIM 600105.
Leber congenital amaurosis 8 (LCA8). Identifiers: Orphanet 65, MedGen C3151202, MONDO:0013453, OMIM 613835.
CRB1-related disorder. Also called: CRB1-related condition; CRB1-related disorders.
Leber congenital amaurosis (LCA). Also called: Leber's amaurosis. Identifiers: Orphanet 65, MedGen C0339527, MeSH D057130, MONDO:0018998.

Submissions (6):

Natera, Inc.
Classification: Pathogenic for Leber congenital amaurosis. Last evaluated: 2025-04-18. Review status: criteria provided, single submitter. Criteria: Natera Variant Classification Schema (03/2026). Collection method: clinical testing. Allele origin: germline.
Comment: The c.3996C>A variant in CRB1 is a nonsense variant predicted to introduce a stop codon at amino acid 1332. This variant is expected to result in nonsense mediated decay, truncation, or a dysfunctional protein product. This variant is rare in the general population with a frequency below the threshold expected for the associated phenotype(s). This variant has been observed in one or more individuals affected with the associated recessive disease, as either homozygous or compound heterozygous with a second variant (PMID: 23847139, 31429209). Given the available evidence, this variant is classified as Pathogenic.

Labcorp Genetics (formerly Invitae), Labcorp
Classification: Pathogenic for Leber congenital amaurosis 8; Retinitis pigmentosa 12. Last evaluated: 2023-12-09. Review status: criteria provided, single submitter. Criteria: Invitae Variant Classification Sherloc (09022015). Collection method: clinical testing. Allele origin: germline.
Comment: This sequence change creates a premature translational stop signal (p.Cys1332*) in the CRB1 gene. While this is not anticipated to result in nonsense mediated decay, it is expected to disrupt the last 75 amino acid(s) of the CRB1 protein. This variant is not present in population databases (gnomAD no frequency). This premature translational stop signal has been observed in individual(s) with a CRB1-related condition (PMID: 11231775). ClinVar contains an entry for this variant (Variation ID: 841844). This variant disrupts a region of the CRB1 protein in which other variant(s) (p.Arg1390*) have been determined to be pathogenic (PMID: 23379534, 24715753, 29068479). This suggests that this is a clinically significant region of the protein, and that variants that disrupt it are likely to be disease-causing. For these reasons, this variant has been classified as Pathogenic.

Genome-Nilou Lab
Classification: Pathogenic for Leber congenital amaurosis 8. Last evaluated: 2023-04-11. Review status: criteria provided, single submitter. Criteria: ACMG Guidelines, 2015. Collection method: clinical testing. Allele origin: germline. Affected: no.

Genome-Nilou Lab
Classification: Pathogenic for Retinitis pigmentosa 12. Last evaluated: 2023-04-11. Review status: criteria provided, single submitter. Criteria: ACMG Guidelines, 2015. Collection method: clinical testing. Allele origin: germline. Affected: no.

CeGaT Center for Human Genetics Tuebingen
Classification: Pathogenic. Last evaluated: 2021-03-01. Review status: criteria provided, single submitter. Criteria: CeGaT Center For Human Genetics Tuebingen Variant Classification Criteria Version 2. Collection method: clinical testing. Allele origin: germline. Affected: yes. Observed: 1 variant allele.

Blueprint Genetics
Classification: Pathogenic for CRB1-related disorders. Last evaluated: 2018-05-06. Review status: criteria provided, single submitter. Criteria: ACMG Guidelines, 2015. Collection method: clinical testing. Allele origin: germline. Affected: yes. Observed: 2 variant alleles.

Literature cited by the submitters: PubMed 23847139 (cited by Natera, Inc.); PubMed 31429209 (cited by Natera, Inc.); PubMed 11231775 (cited by Labcorp Genetics (formerly Invitae), Labcorp); PubMed 23379534 (cited by Labcorp Genetics (formerly Invitae), Labcorp); PubMed 24715753 (cited by Labcorp Genetics (formerly Invitae), Labcorp); PubMed 29068479 (cited by Labcorp Genetics (formerly Invitae), Labcorp).